The following is an entry in ClinVar:

ClinVar aggregate classification (germline): Uncertain significance. Review status: criteria provided, multiple submitters, no conflicts (2 of 4 stars). 2 submissions from 2 submitters: Uncertain significance (2). Last evaluated 2025-08-16.

Conditions:
COL4A2-related disorder. Also called: COL4A2-related disorders; COL4A2-related condition.

Allele frequency attached by ClinVar (database versions not stated): gnomAD exomes below 0.00001 and 0.00001; TOPMed below 0.00001; ExAC 0.00001; gnomAD 0.00001; 1000 Genomes Project 0.00020; 1000 Genomes Project 30x 0.00031.
gnomAD v4.1: 7 of 1,614,110 alleles (0.00043%); highest among the groups gnomAD compares: Admixed American, 0.0033%; no homozygotes.

Submissions (2):

Labcorp Genetics (formerly Invitae), Labcorp
Classification: Uncertain significance. Last evaluated: 2025-08-16. Review status: criteria provided, single submitter. Criteria: Invitae Variant Classification Sherloc (09022015). Collection method: clinical testing. Allele origin: germline.
Comment: This sequence change replaces glycine, which is neutral and non-polar, with arginine, which is basic and polar, at codon 1622 of the COL4A2 protein (p.Gly1622Arg). This variant is present in population databases (rs541766007, gnomAD 0.006%). This missense change has been observed in individual(s) with clinical features of porencephaly (PMID: 32732225). ClinVar contains an entry for this variant (Variation ID: 1693311). Invitae Evidence Modeling of protein sequence and biophysical properties (such as structural, functional, and spatial information, amino acid conservation, physicochemical variation, residue mobility, and thermodynamic stability) has been performed for this missense variant. However, the output from this modeling did not meet the statistical confidence thresholds required to predict the impact of this variant on COL4A2 protein function. In summary, the available evidence is currently insufficient to determine the role of this variant in disease. Therefore, it has been classified as a Variant of Uncertain Significance.

Illumina Laboratory Services, Illumina
Classification: Uncertain significance for COL4A2-related disorders. Last evaluated: 2022-03-02. Review status: criteria provided, single submitter. Criteria: ICSLVariantClassificationCriteria RUGD 01 April 2020. Collection method: clinical testing. Allele origin: unknown.
Comment: The COL4A2 c.4864G>A (p.Gly1622Arg) missense variant results in the substitution of glycine at amino acid position 1622 with arginine. This variant has been reported in a heterozygous state in child with mild ventriculomegaly, periventricular calcifications, borderline intellectual disability and hemiplegia. It was inherited from a clinically asymptomatic mother for whom MRI data was unavailable (Itai et al. 2020). This variant is reported in the Genome Aggregation Database in four alleles at a frequency of 0.000014 in the Total population (version 2.1.1). The Gly1622 residue is highly conserved and located in C-terminal NC1 domain, which is involved in the initiation of triple helix formation, however potential impacts of this variant have not been evaluated experimentally (Meuwissen et al. 2015). Based on the available evidence, the c.4864G>A (p.Gly1622Arg) variant is classified as a variant of uncertain significance for COL4A2-related disorders.

Literature cited by the submitters: PubMed 32732225 (cited by Labcorp Genetics (formerly Invitae), Labcorp and Illumina Laboratory Services, Illumina); PubMed 25719457 (cited by Illumina Laboratory Services, Illumina).

NM_001846.4(COL4A2):c.4864G>A (p.Gly1622Arg)

Gene: COL4A2 (collagen type IV alpha 2 chain; plus strand). Cytogenetic location: 13q34.
Variant type: single nucleotide variant.
Coding change: c.4864G>A on transcript NM_001846.4 (MANE Select); coding-DNA position 4864, G replaced by A.
Protein change: p.Gly1622Arg; replaces glycine 1622 with arginine.
Molecular consequence: missense variant.
Genome position (GRCh38, 1-based): chr13:110,508,204, G>A. VCF-style: chr13-110508204-G-A. GRCh37 (hg19) VCF-style: chr13-111160551-G-A.
Other names: short protein forms G1622R.
Identifiers: ClinVar variation 1693311 (VCV001693311.8), dbSNP rs541766007, ClinGen allele CA7050672.